The following is an entry in ClinVar:

ClinVar aggregate classification (germline): Benign/Likely benign. Review status: criteria provided, multiple submitters, no conflicts (2 of 4 stars). 11 submissions from 11 submitters: Benign (6); Likely benign (2). 3 of the submissions do not count toward it. Last evaluated 2026-01-25.

Conditions:
Monogenic diabetes. Identifiers: Orphanet 183625, MedGen C3888631, MONDO:0015967.
Diabetes mellitus. Also called: Diabetes mellitus (disease). Identifiers: MedGen C0011849, MONDO:0005015, HP:0000819.
WFS1-related disorder. Identifiers: MedGen CN379391, MONDO:0700293.

Allele frequency attached by ClinVar (database versions not stated): 1000 Genomes Project 0.00260; TOPMed 0.00266; 1000 Genomes Project 30x 0.00281; ESP Exome Variant Server 0.00323.
gnomAD v4.1: 811 of 1,607,986 alleles (0.05%); highest among the groups gnomAD compares: African/African-American, 0.87%; 6 homozygotes.

Submissions (11):

Labcorp Genetics (formerly Invitae), Labcorp
Classification: Benign. Last evaluated: 2026-01-25. Review status: criteria provided, single submitter. Criteria: Invitae Variant Classification Sherloc (09022015). Collection method: clinical testing. Allele origin: germline.

Mayo Clinic Laboratories, Mayo Clinic
Classification: Benign. Last evaluated: 2025-03-18. Review status: criteria provided, single submitter. Criteria: ACMG Guidelines, 2015. Collection method: clinical testing. Allele origin: germline. Observed: 1 variant allele.
Comment: BA1

Blueprint Genetics
Classification: Likely benign. Last evaluated: 2024-11-20. Review status: criteria provided, single submitter. Criteria: ACMG Guidelines, 2015. Collection method: clinical testing. Allele origin: germline.

ARUP Laboratories, Molecular Genetics and Genomics, ARUP Laboratories
Classification: Likely benign. Last evaluated: 2021-02-04. Review status: criteria provided, single submitter. Criteria: ARUP Molecular Germline Variant Investigation Process 2021. Collection method: clinical testing. Allele origin: germline.

Personalized Diabetes Medicine Program, University of Maryland School of Medicine
Classification: Benign for Monogenic diabetes. Last evaluated: 2018-10-12. Review status: criteria provided, single submitter. Criteria: ACMG Guidelines, 2015. Collection method: research. Allele origin: unknown. Observed: 1 variant allele, 1 heterozygote.
Comment: ACMG criteria: BS1 (0.8% MAF in gnomAD African), BS2 (17 cases and 16 controls in an online resource)= benign [BP4 (REVEL 0.152 + 8 predictors= conflicting evidence, not using]

GeneDx
Classification: Benign. Last evaluated: 2014-04-17. Review status: criteria provided, single submitter. Criteria: GeneDx Variant Classification (06012015). Collection method: clinical testing. Allele origin: germline. Affected: yes.
Comment: This variant is considered likely benign or benign based on one or more of the following criteria: it is a conservative change, it occurs at a poorly conserved position in the protein, it is predicted to be benign by multiple in silico algorithms, and/or has population frequency not consistent with disease.

Laboratory for Molecular Medicine, Mass General Brigham Personalized Medicine
Classification: Benign. Last evaluated: 2012-04-30. Review status: criteria provided, single submitter. Criteria: LMM Criteria. Collection method: clinical testing. Allele origin: germline. Observed: 4 variant alleles.
Comment: Thr117Met in Exon 04 of WFS1: This variant is not expected to have clinical sign ificance because it has been identified in 0.9% (34/3734) of African American ch romosomes from a broad population by the NHLBI Exome Sequencing Project (dbSNP rs141225426).

Clinical Genomics, Uppaluri K&H Personalized Medicine Clinic
Classification: Benign for Diabetes mellitus. Review status: criteria provided, single submitter. Criteria: K & H Uppaluri Personalized Medicine Clinic Variant Classification & Assertion Criteria_Updated V.1. Collection method: research. Allele origin: unknown. Inheritance: Autosomal dominant inheritance.
Comment: Potent mutations in WFS1 gene are associated with Wolfram's syndrome, an autosomal recessive condition, which cause diabetes mellitus, diabetes insipidus, deafness and optic atrophy.However no sufficient evidence is found to ascertain the role of this particular variant rs141225426 yet.

PreventionGenetics, part of Exact Sciences
Classification: Benign for WFS1-related condition. Last evaluated: 2019-06-19. Review status: no assertion criteria provided. Collection method: clinical testing. Allele origin: germline. Not counted in ClinVar's aggregate classification.
Comment: This variant is classified as benign based on ACMG/AMP sequence variant interpretation guidelines (Richards et al. 2015 PMID: 25741868, with internal and published modifications).

Clinical Genetics DNA and cytogenetics Diagnostics Lab, Erasmus MC, Erasmus Medical Center
Classification: Benign. Review status: no assertion criteria provided. Collection method: clinical testing. Allele origin: germline. Affected: yes. Study: VKGL Data-share Consensus. Not counted in ClinVar's aggregate classification.

Laboratory of Diagnostic Genome Analysis, Leiden University Medical Center (LUMC)
Classification: Likely benign. Review status: no assertion criteria provided. Collection method: clinical testing. Allele origin: germline. Affected: yes. Study: VKGL Data-share Consensus. Not counted in ClinVar's aggregate classification.

Literature cited by the submitters: PubMed 20738327 (cited by Clinical Genomics, Uppaluri K&H Personalized Medicine Clinic); PubMed 33879153 (cited by Clinical Genomics, Uppaluri K&H Personalized Medicine Clinic); PubMed 12955714 (cited by Clinical Genomics, Uppaluri K&H Personalized Medicine Clinic); PubMed 18060660 (cited by Clinical Genomics, Uppaluri K&H Personalized Medicine Clinic); PubMed 20301750 (cited by Clinical Genomics, Uppaluri K&H Personalized Medicine Clinic); PubMed 17603484 (cited by Clinical Genomics, Uppaluri K&H Personalized Medicine Clinic).

NM_006005.3(WFS1):c.350C>T (p.Thr117Met)

Gene: WFS1 (wolframin ER transmembrane glycoprotein; plus strand). Cytogenetic location: 4p16.1.
Variant type: single nucleotide variant.
Coding change: c.350C>T on transcript NM_006005.3 (MANE Select); coding-DNA position 350, C replaced by T.
Protein change: p.Thr117Met; replaces threonine 117 with methionine.
Molecular consequence: missense variant.
Genome position (GRCh38, 1-based): chr4:6,289,021, C>T. VCF-style: chr4-6289021-C-T. GRCh37 (hg19) VCF-style: chr4-6290748-C-T.
Other names: p.T117M:ACG>ATG; c.350C>T, p.Thr117Met (NM_001145853.1); short protein forms T117M.
Identifiers: ClinVar variation 45457 (VCV000045457.68), dbSNP rs141225426, ClinGen allele CA282586.